The following is an entry in ClinVar:

ClinVar aggregate classification (germline): Uncertain significance. Review status: criteria provided, multiple submitters, no conflicts (2 of 4 stars). 2 submissions from 2 submitters: Uncertain significance (2). Last evaluated 2026-02-17.

Conditions:
Hereditary cancer-predisposing syndrome. Also called: Neoplastic Syndromes, Hereditary; Tumor predisposition; Hereditary Cancer Syndrome; Hereditary neoplastic syndrome. Identifiers: Orphanet 140162, MedGen C0027672, MeSH D009386, MONDO:0015356.
Familial cancer of breast. Also called: BREAST CANCER, FAMILIAL; Hereditary breast cancer; hereditary breast carcinoma. Identifiers: Orphanet 227535, MedGen C0346153, MONDO:0016419, OMIM 114480. Disease mechanism: loss of function.

Allele frequency attached by ClinVar (database versions not stated): ExAC 0.00001; gnomAD exomes 0.00001.
gnomAD v4.1: 3 of 1,614,084 alleles (0.00019%); highest among the groups gnomAD compares: Admixed American, 0.005%; no homozygotes.

Submissions (2):

Ambry Genetics
Classification: Uncertain significance for Hereditary cancer-predisposing syndrome. Last evaluated: 2026-02-17. Review status: criteria provided, single submitter. Criteria: Ambry Variant Classification Scheme 2023. Collection method: clinical testing. Allele origin: germline.
Comment: The p.Q158R variant (also known as c.473A>G), located in coding exon 4 of the PALB2 gene, results from an A to G substitution at nucleotide position 473. The glutamine at codon 158 is replaced by arginine, an amino acid with highly similar properties. This amino acid position is conserved. In addition, this alteration is predicted to be tolerated by in silico analysis. Based on the available evidence, the clinical significance of this variant remains unclear.

Labcorp Genetics (formerly Invitae), Labcorp
Classification: Uncertain significance for Familial cancer of breast. Last evaluated: 2021-12-11. Review status: criteria provided, single submitter. Criteria: Invitae Variant Classification Sherloc (09022015). Collection method: clinical testing. Allele origin: germline.
Comment: In summary, the available evidence is currently insufficient to determine the role of this variant in disease. Therefore, it has been classified as a Variant of Uncertain Significance. Algorithms developed to predict the effect of missense changes on protein structure and function (SIFT, PolyPhen-2, Align-GVGD) all suggest that this variant is likely to be tolerated. This variant has not been reported in the literature in individuals affected with PALB2-related conditions. This variant is present in population databases (no rsID available, gnomAD 0.009%). This sequence change replaces glutamine, which is neutral and polar, with arginine, which is basic and polar, at codon 158 of the PALB2 protein (p.Gln158Arg).

NM_024675.4(PALB2):c.473A>G (p.Gln158Arg)

Gene: PALB2 (partner and localizer of BRCA2; minus strand). Cytogenetic location: 16p12.2.
Variant type: single nucleotide variant.
Coding change: c.473A>G on transcript NM_024675.4 (MANE Select); coding-DNA position 473, A replaced by G.
Protein change: p.Gln158Arg; replaces glutamine 158 with arginine.
Molecular consequence: missense variant.
Genome position (GRCh38, 1-based): chr16:23,636,073, T>C on the plus strand (A>G on the coding strand, the complement: PALB2 is on the minus strand). VCF-style: chr16-23636073-T-C. GRCh37 (hg19) VCF-style: chr16-23647394-T-C.
Other names: c.473A>G (NM_024675.3); short protein forms Q158R.
Identifiers: ClinVar variation 1477764 (VCV001477764.8), dbSNP rs1349641343, ClinGen allele CA7963789.